The following is an entry in ClinVar:

NM_001084.5(PLOD3):c.1107C>A (p.Gly369=)

Gene: PLOD3 (procollagen-lysine,2-oxoglutarate 5-dioxygenase 3; minus strand). Cytogenetic location: 7q22.1.
Variant type: single nucleotide variant.
Coding change: c.1107C>A on transcript NM_001084.5 (MANE Select); coding-DNA position 1107, C replaced by A.
Protein change: p.Gly369=; no amino-acid change (glycine 369 retained).
Molecular consequence: synonymous variant.
Genome position (GRCh38, 1-based): chr7:101,212,273, G>T on the plus strand (C>A on the coding strand, the complement: PLOD3 is on the minus strand). VCF-style: chr7-101212273-G-T. GRCh37 (hg19) VCF-style: chr7-100855554-G-T.
Identifiers: ClinVar variation 1952642 (VCV001952642.5), dbSNP rs193247871, ClinGen allele CA456790220.

ClinVar aggregate classification (germline): Uncertain significance (1 of 4 stars; one submission).

gnomAD v4.1: 2 of 1,613,290 alleles (0.00012%); highest among the groups gnomAD compares: Non-Finnish European, 0.00017%; no homozygotes.

Submission:

Labcorp Genetics (formerly Invitae), Labcorp
Classification: Uncertain significance. Last evaluated: 2023-07-17. Review status: criteria provided, single submitter. Criteria: Invitae Variant Classification Sherloc (09022015). Collection method: clinical testing. Allele origin: germline.
Comment: In summary, the available evidence is currently insufficient to determine the role of this variant in disease. Therefore, it has been classified as a Variant of Uncertain Significance. Algorithms developed to predict the effect of sequence changes on RNA splicing suggest that this variant may disrupt the consensus splice site. ClinVar contains an entry for this variant (Variation ID: 1952642). This sequence change affects codon 369 of the PLOD3 mRNA. It is a 'silent' change, meaning that it does not change the encoded amino acid sequence of the PLOD3 protein. This variant has not been reported in the literature in individuals affected with PLOD3-related conditions. This variant is not present in population databases (gnomAD no frequency).